The following is an entry in ClinVar:

ClinVar aggregate classification (germline): Pathogenic. Review status: criteria provided, multiple submitters, no conflicts (2 of 4 stars). 3 submissions from 3 submitters: Pathogenic (3). Last evaluated 2025-09-20.

Conditions:
SKIN/HAIR/EYE PIGMENTATION 1, BLUE/NONBLUE EYES (SHEP1). Also called: BROWN EYE COLOR 2; EYE COLOR 3; EYE COLOR, BLUE/NONBLUE; EYE COLOR, BROWN/BLUE; HAIR COLOR 3; SKIN/HAIR/EYE PIGMENTATION 1, BLOND/BROWN HAIR. Identifiers: MedGen C1856895, OMIM 227220.
Tyrosinase-positive oculocutaneous albinism (OCA2). Also called: Albinism, oculocutaneous, type II; ALBINISM II; Oculocutaneous albinism type 2. Identifiers: Orphanet 79432, MedGen C0268495, MONDO:0008746, OMIM 203200.
OCA2-related disorder. Also called: OCA2-related condition.

Allele frequency attached by ClinVar (database versions not stated): gnomAD exomes below 0.00001; gnomAD 0.00001; TOPMed 0.00001.
gnomAD v4.1: 2 of 1,609,850 alleles (0.00012%); highest among the groups gnomAD compares: Non-Finnish European, 0.00017%; no homozygotes.

Submissions (3):

PreventionGenetics, part of Exact Sciences
Classification: Pathogenic for OCA2-related condition. Last evaluated: 2025-09-20. Review status: criteria provided, single submitter. Criteria: ACMG Guidelines, 2015. Collection method: clinical testing. Allele origin: germline.
Comment: The OCA2 c.2244+2T>G variant is predicted to disrupt the GT donor site and interfere with normal splicing. This variant has been reported along with a second OCA2 variant in an individual with oculocutaneous albinism (Mauri et al. 2017. PubMed ID: 27734839). This variant is absent in a large population database (gnomAD), indicating this variant is rare. Variants that disrupt the consensus splice donor site in OCA2 are an established mechanism of disease. Given the evidence, we interpret this variant as pathogenic.

Fulgent Genetics
Classification: Pathogenic for Tyrosinase-positive oculocutaneous albinism; SKIN/HAIR/EYE PIGMENTATION 1, BLUE/NONBLUE EYES. Last evaluated: 2024-04-02. Review status: criteria provided, single submitter. Criteria: ACMG Guidelines, 2015. Collection method: clinical testing. Allele origin: germline.

Baylor Genetics
Classification: Pathogenic for SKIN/HAIR/EYE PIGMENTATION 1, BLUE/NONBLUE EYES. Last evaluated: 2023-08-05. Review status: criteria provided, single submitter. Criteria: ACMG Guidelines, 2015. Collection method: clinical testing. Allele origin: unknown.

NM_000275.3(OCA2):c.2244+2T>G

Gene: OCA2 (OCA2 melanosomal transmembrane protein; minus strand). Cytogenetic location: 15q13.1.
Variant type: single nucleotide variant.
Coding change: c.2244+2T>G on transcript NM_000275.3 (MANE Select); the canonical splice donor site of the intron after coding-DNA position 2244, T replaced by G.
Molecular consequence: splice donor variant.
Genome position (GRCh38, 1-based): chr15:27,871,152, A>C on the plus strand (T>G on the coding strand, the complement: OCA2 is on the minus strand). VCF-style: chr15-27871152-A-C. GRCh37 (hg19) VCF-style: chr15-28116298-A-C.
Other names: c.2244+2T>G (NM_000275.2); c.2172+2T>G (NM_001300984.2).
Identifiers: ClinVar variation 2677408 (VCV002677408.3), dbSNP rs1338085924, ClinGen allele CA391363319.